The following is an entry in ClinVar:

NM_001330078.2(NRXN1):c.40C>G (p.Leu14Val)

Gene: NRXN1 (neurexin 1; minus strand). Cytogenetic location: 2p16.3.
Variant type: single nucleotide variant.
Coding change: c.40C>G on transcript NM_001330078.2 (MANE Select); coding-DNA position 40, C replaced by G.
Protein change: p.Leu14Val; replaces leucine 14 with valine.
Molecular consequence: missense variant.
Genome position (GRCh38, 1-based): chr2:51,028,234, G>C on the plus strand (C>G on the coding strand, the complement: NRXN1 is on the minus strand). VCF-style: chr2-51028234-G-C. GRCh37 (hg19) VCF-style: chr2-51255372-G-C.
Other names: c.40C>G, p.Leu14Val (NM_001330077.2, NM_001330079.2, NM_001330081.2 and 15 more transcripts); short protein forms L14V.
Identifiers: ClinVar variation 1997135 (VCV001997135.4), dbSNP rs1670928980, ClinGen allele CA346824833.

ClinVar aggregate classification (germline): Uncertain significance (1 of 4 stars; one submission).

Conditions:
Pitt-Hopkins-like syndrome 2 (PTHSL2). Identifiers: Orphanet 221150, Orphanet 600663, MedGen C3280479, MONDO:0013690, OMIM 614325.

Submission:

Labcorp Genetics (formerly Invitae), Labcorp
Classification: Uncertain significance for Pitt-Hopkins-like syndrome 2. Last evaluated: 2022-05-20. Review status: criteria provided, single submitter. Criteria: Invitae Variant Classification Sherloc (09022015). Collection method: clinical testing. Allele origin: germline.
Comment: In summary, the available evidence is currently insufficient to determine the role of this variant in disease. Therefore, it has been classified as a Variant of Uncertain Significance. Algorithms developed to predict the effect of missense changes on protein structure and function output the following: SIFT: "Tolerated"; PolyPhen-2: "Benign"; Align-GVGD: "Class C0". The valine amino acid residue is found in multiple mammalian species, which suggests that this missense change does not adversely affect protein function. This variant has not been reported in the literature in individuals affected with NRXN1-related conditions. This variant is not present in population databases (gnomAD no frequency). This sequence change replaces leucine, which is neutral and non-polar, with valine, which is neutral and non-polar, at codon 14 of the NRXN1 protein (p.Leu14Val).